The following is an entry in ClinVar:

ClinVar aggregate classification (germline): Uncertain significance (1 of 4 stars; one submission).

Conditions:
LRRC45-related disorder. Also called: LRRC45-related condition.

Submission:

PreventionGenetics, part of Exact Sciences
Classification: Uncertain significance for LRRC45-related condition. Last evaluated: 2026-02-03. Review status: criteria provided, single submitter. Criteria: ACMG Guidelines, 2015. Collection method: clinical testing. Allele origin: germline.
Comment: The LRRC45 c.848G>A variant is predicted to result in the amino acid substitution p.Arg283His. To our knowledge, this variant has not been reported in the literature. This variant is reported in 0.0027% of alleles in individuals of European (Non-Finnish) descent in gnomAD. At this time, the clinical significance of this variant is uncertain due to the absence of conclusive functional and genetic evidence.

NM_144999.4(LRRC45):c.848G>A (p.Arg283His)

Gene: LRRC45 (leucine rich repeat containing 45; plus strand). Cytogenetic location: 17q25.3.
Variant type: single nucleotide variant.
Coding change: c.848G>A on transcript NM_144999.4 (MANE Select); coding-DNA position 848, G replaced by A.
Protein change: p.Arg283His; replaces arginine 283 with histidine.
Molecular consequence: missense variant.
Genome position (GRCh38, 1-based): chr17:82,027,688, G>A. VCF-style: chr17-82027688-G-A. GRCh37 (hg19) VCF-style: chr17-79985564-G-A.
Other names: short protein forms R283H.
Identifiers: ClinVar variation 4990524 (VCV004990524.1).